The following is an entry in ClinVar:

NC_000003.11:g.(?_168802697)_(172835521_?)dup

Genes: TNFSF10 (TNF superfamily member 10; minus strand), SEC62 (SEC62 preprotein translocation factor; plus strand), SPATA16 (spermatogenesis associated 16; minus strand), SKIL (SKI like proto-oncogene; plus strand), ACTRT3 (actin related protein T3; minus strand) and 22 more. Cytogenetic location: 3q26.2-26.31.
Variant type: Duplication.
Identifiers: ClinVar variation 2422930 (VCV002422930.3).

ClinVar aggregate classification (germline): Uncertain significance (1 of 4 stars; one submission).

Conditions:
Fanconi-Bickel syndrome (FBS). Also called: PSEUDO-PHLORIZIN DIABETES; Glycogen storage disease due to GLUT2 deficiency; FANCONI SYNDROME WITH INTESTINAL MALABSORPTION AND GALACTOSE INTOLERANCE; HEPATIC GLYCOGENOSIS WITH AMINO ACIDURIA AND GLUCOSURIA; HEPATIC GLYCOGENOSIS WITH FANCONI NEPHROPATHY; HEPATORENAL GLYCOGENOSIS WITH RENAL FANCONI SYNDROME. Identifiers: Orphanet 2088, MedGen C3495427, MONDO:0009216, OMIM 227810.

Submission:

Labcorp Genetics (formerly Invitae), Labcorp
Classification: Uncertain significance for Fanconi-Bickel syndrome. Last evaluated: 2022-05-15. Review status: criteria provided, single submitter. Criteria: Invitae Variant Classification Sherloc (09022015). Collection method: clinical testing. Allele origin: germline.
Comment: A copy number gain of the genomic region encompassing the full coding sequence of the SLC2A2 gene has been identified. The boundaries of this event are unknown as they extend beyond the assayed region for this gene and therefore may encompass additional genes. As the precise location of this event is unknown, it may be in tandem or it may be located elsewhere in the genome. This variant has not been reported in the literature in individuals affected with SLC2A2-related conditions. In summary, the available evidence is currently insufficient to determine the role of this variant in disease. Therefore, it has been classified as a Variant of Uncertain Significance.